The following is an entry in ClinVar:

NC_000009.11:g.(?_135800954)_(135802711_?)del

Gene: TSC1 (TSC complex subunit 1; minus strand). Cytogenetic location: 9q34.13.
Variant type: Deletion.
Identifiers: ClinVar variation 3245188 (VCV003245188.1).

ClinVar aggregate classification (germline): Pathogenic (1 of 4 stars; one submission).

Conditions:
Tuberous sclerosis 1 (TSC1). Identifiers: Orphanet 805, MedGen C1854465, MONDO:0008612, OMIM 191100.

Submission:

Labcorp Genetics (formerly Invitae), Labcorp
Classification: Pathogenic for Tuberous sclerosis 1. Last evaluated: 2023-12-28. Review status: criteria provided, single submitter. Criteria: Invitae Variant Classification Sherloc (09022015). Collection method: clinical testing. Allele origin: unknown.
Comment: This variant is a gross deletion of the genomic region encompassing exon(s) 4-5 of the TSC1 gene. This deletion is out-of-frame, and is expected to create a premature termination codon and result in an absent or disrupted protein product. Loss-of-function variants in TSC1 are known to be pathogenic (PMID: 10227394, 17304050). This variant has not been reported in the literature in individuals affected with TSC1-related conditions. For these reasons, this variant has been classified as Pathogenic.

Literature cited by the submitters: PubMed 10227394; PubMed 17304050.